The following is an entry in ClinVar:

NM_001008537.3(NEXMIF):c.527C>T (p.Thr176Met)

Gene: NEXMIF (neurite extension and migration factor; minus strand). Cytogenetic location: Xq13.3.
Variant type: single nucleotide variant.
Coding change: c.527C>T on transcript NM_001008537.3 (MANE Select); coding-DNA position 527, C replaced by T.
Protein change: p.Thr176Met; replaces threonine 176 with methionine.
Molecular consequence: missense variant.
Genome position (GRCh38, 1-based): chrX:74,744,030, G>A on the plus strand (C>T on the coding strand, the complement: NEXMIF is on the minus strand). VCF-style: chrX-74744030-G-A. GRCh37 (hg19) VCF-style: chrX-73963865-G-A.
Other names: short protein forms T176M.
Identifiers: ClinVar variation 2998645 (VCV002998645.3), dbSNP rs777910009, ClinGen allele CA10455202.

ClinVar aggregate classification (germline): Uncertain significance (1 of 4 stars; one submission).

Allele frequency attached by ClinVar (database versions not stated): gnomAD exomes 0.00001; ExAC 0.00002; gnomAD 0.00002; TOPMed 0.00002.
gnomAD v4.1: 11 of 1,207,873 alleles (0.00091%); highest among the groups gnomAD compares: African/African-American, 0.0035%; no homozygotes.

Submission:

Labcorp Genetics (formerly Invitae), Labcorp
Classification: Uncertain significance. Last evaluated: 2023-07-07. Review status: criteria provided, single submitter. Criteria: Invitae Variant Classification Sherloc (09022015). Collection method: clinical testing. Allele origin: germline.
Comment: This variant has not been reported in the literature in individuals affected with NEXMIF-related conditions. An algorithm developed to predict the effect of missense changes on protein structure and function (PolyPhen-2) suggests that this variant is likely to be disruptive. In summary, the available evidence is currently insufficient to determine the role of this variant in disease. Therefore, it has been classified as a Variant of Uncertain Significance. This variant is present in population databases (rs777910009, gnomAD 0.007%), including at least one homozygous and/or hemizygous individual. This sequence change replaces threonine, which is neutral and polar, with methionine, which is neutral and non-polar, at codon 176 of the NEXMIF protein (p.Thr176Met).